The following is an entry in ClinVar:

NM_020987.5(ANK3):c.11898CAC[6] (p.Thr3978dup)

Gene: ANK3 (ankyrin 3; minus strand). Cytogenetic location: 10q21.2.
Variant type: Microsatellite.
Coding change: c.11898CAC[6] on transcript NM_020987.5 (MANE Select); six copies in a row of the 3-base unit CAC starting at c.11898; the reference has five copies in a row; one copy, 3 bases duplicated; also written c.11910_11912dup.
Protein change: p.Thr3978dup; duplicates threonine 3978.
Molecular consequence: inframe insertion. On other transcripts: intron variant (4).
Genome position (GRCh38, 1-based): chr10:60,068,969-60,068,971, GTG duplicated on the plus strand (CAC on the coding strand, the reverse complement: ANK3 is on the minus strand); duplicating any 3 consecutive bases within chr10:60,068,969-60,068,984 gives the same sequence; the position shown is the placement nearest the transcript's 3' end. VCF-style (leftmost placement, unchanged base first): chr10-60068968-A-AGTG. GRCh37 (hg19) VCF-style: chr10-61828726-A-AGTG.
Other names: c.4388-974CAC[6] (NM_001204403.2); c.4409-974CAC[6] (NM_001204404.2); c.11910_11912dupCAC (NM_020987.4); c.4406-974CAC[6] (NM_001320874.2); c.1808-974CAC[6] (NM_001149.4); c.11910_11912dup (NM_020987.3).
Identifiers: ClinVar variation 1443865 (VCV001443865.33), dbSNP rs548780827, ClinGen allele CA5511011.

ClinVar aggregate classification (germline): Uncertain significance. Review status: criteria provided, multiple submitters, no conflicts (2 of 4 stars). 4 submissions from 4 submitters: Uncertain significance (3). 1 of the submissions does not count toward it. Last evaluated 2025-03-03.

Conditions:
ANK3-related disorder. Also called: ANK3-related condition.

Submissions (4):

Labcorp Genetics (formerly Invitae), Labcorp
Classification: Uncertain significance. Last evaluated: 2025-03-03. Review status: criteria provided, single submitter. Criteria: Invitae Variant Classification Sherloc (09022015). Collection method: clinical testing. Allele origin: germline.
Comment: This variant, c.11910_11912dup, results in the insertion of 1 amino acid(s) of the ANK3 protein (p.Thr3978dup), but otherwise preserves the integrity of the reading frame. The frequency data for this variant in the population databases is considered unreliable, as metrics indicate poor data quality at this position in the gnomAD database. This variant has not been reported in the literature in individuals affected with ANK3-related conditions. Experimental studies and prediction algorithms are not available or were not evaluated, and the functional significance of this variant is currently unknown. In summary, the available evidence is currently insufficient to determine the role of this variant in disease. Therefore, it has been classified as a Variant of Uncertain Significance.

GeneDx
Classification: Uncertain significance. Last evaluated: 2025-02-18. Review status: criteria provided, single submitter. Criteria: GeneDx Variant Classification Process June 2021. Collection method: clinical testing. Allele origin: germline. Affected: yes.
Comment: In-frame duplication of 1 amino acid(s) in a repetitive region with no known function; Has not been previously published as pathogenic or benign to our knowledge

CeGaT Center for Human Genetics Tuebingen
Classification: Uncertain significance. Last evaluated: 2023-09-01. Review status: criteria provided, single submitter. Criteria: CeGaT Center For Human Genetics Tuebingen Variant Classification Criteria Version 2. Collection method: clinical testing. Allele origin: germline. Affected: yes. Observed: 1 variant allele.

PreventionGenetics, part of Exact Sciences
Classification: Uncertain significance for ANK3-related condition. Last evaluated: 2023-11-07. Review status: no assertion criteria provided. Collection method: clinical testing. Allele origin: germline. Not counted in ClinVar's aggregate classification.
Comment: The ANK3 c.11910_11912dupCAC variant is predicted to result in an in-frame duplication (p.Thr3978dup). To our knowledge, this variant has not been reported in the literature. This variant is reported in 0.076% of alleles in individuals of African descent in gnomAD. At this time, the clinical significance of this variant is uncertain due to the absence of conclusive functional and genetic evidence.